The following is an entry in ClinVar:

NM_001008212.2(OPTN):c.883G>T (p.Val295Phe)

Gene: OPTN (optineurin; plus strand). Cytogenetic location: 10p13.
Variant type: single nucleotide variant.
Coding change: c.883G>T on transcript NM_001008212.2 (MANE Select); coding-DNA position 883, G replaced by T.
Protein change: p.Val295Phe; replaces valine 295 with phenylalanine.
Molecular consequence: missense variant.
Genome position (GRCh38, 1-based): chr10:13,123,995, G>T. VCF-style: chr10-13123995-G-T. GRCh37 (hg19) VCF-style: chr10-13165995-G-T.
Other names: c.883G>T, p.Val295Phe (NM_001008211.1, NM_001008213.1, NM_021980.4); short protein forms V295F.
Identifiers: ClinVar variation 4850858 (VCV004850858.1).
Genomic context (GRCh38, chr10:13,123,995, plus strand): 5'-AGGTTTGTTTAATGTCAGATGATAATTGTACAGATATGTTTGGGATTTCCCGTATGATAG[G>T]TTGGAAGCGAAGTGGAAGCACTGAACCTCCAGGTGACATCTCTGTTTAAGGAGCTTCAAG-3'
Protein context (NP_001008213.1, residues 285-305): ENDEEKGPET[Val295Phe]GSEVEALNLQ

ClinVar aggregate classification (germline): Uncertain significance (1 of 4 stars; one submission).

Conditions:
Frontotemporal dementia (FTD1). Also called: FRONTOTEMPORAL LOBAR DEGENERATION WITH TAU INCLUSIONS; FTLD WITH TAU INCLUSIONS; Dementia, frontotemporal, with or without parkinsonism; Frontotemporal Dementia with Parkinsonism-17 (FTDP-17); FRONTOTEMPORAL DEMENTIA WITH PARKINSONISM; FRONTOTEMPORAL LOBE DEMENTIA. Identifiers: Orphanet 282, MedGen C0338451, MONDO:0017276, OMIM 600274, HP:0002145.

gnomAD v4.1: 7 of 1,609,514 alleles (0.00043%); highest among the groups gnomAD compares: Non-Finnish European, 0.0006%; no homozygotes.

Submission:

Clinical Genetics Laboratory, Skane University Hospital Lund
Classification: Uncertain significance for Frontotemporal dementia. Last evaluated: 2026-05-15. Review status: criteria provided, single submitter. Criteria: ACMG Guidelines, 2015. Collection method: clinical testing. Allele origin: germline. Affected: yes.
Comment: ACMG criteria applied: PS4_supporting, PP3.